The following is an entry in ClinVar:

NM_004130.4(GYG1):c.819T>A (p.Tyr273Ter)

Gene: GYG1 (glycogenin 1; plus strand). Cytogenetic location: 3q24.
Variant type: single nucleotide variant.
Coding change: c.819T>A on transcript NM_004130.4 (MANE Select); coding-DNA position 819, T replaced by A.
Protein change: p.Tyr273Ter; replaces tyrosine 273 with a stop codon.
Molecular consequence: nonsense. On other transcripts: intron variant (1).
Genome position (GRCh38, 1-based): chr3:149,024,263, T>A. VCF-style: chr3-149024263-T-A. GRCh37 (hg19) VCF-style: chr3-148742050-T-A.
Other names: c.819T>A, p.Tyr273Ter (NM_001184720.2); c.609-2497T>A (NM_001184721.2); short protein forms Y273*.
Identifiers: ClinVar variation 850059 (VCV000850059.9), dbSNP rs1714533252, ClinGen allele CA354908846.

ClinVar aggregate classification (germline): Pathogenic (1 of 4 stars; one submission).

Conditions:
Glycogen storage disease XV (GSD15). Also called: GLYCOGENIN DEFICIENCY; GSD XV. Identifiers: Orphanet 263297, MedGen C3150754, MONDO:0013291, OMIM 613507.
Polyglucosan body myopathy type 2. Identifiers: Orphanet 456369, MedGen C4015452, MONDO:0014526, OMIM 616199.

gnomAD v4.1: 3 of 1,591,686 alleles (0.00019%); highest among the groups gnomAD compares: Non-Finnish European, 0.00026%; no homozygotes.

Submission:

Labcorp Genetics (formerly Invitae), Labcorp
Classification: Pathogenic for Polyglucosan body myopathy type 2; Glycogen storage disease XV. Last evaluated: 2024-02-25. Review status: criteria provided, single submitter. Criteria: Invitae Variant Classification Sherloc (09022015). Collection method: clinical testing. Allele origin: germline.
Comment: This sequence change creates a premature translational stop signal (p.Tyr273*) in the GYG1 gene. It is expected to result in an absent or disrupted protein product. Loss-of-function variants in GYG1 are known to be pathogenic (PMID: 20357282, 25272951). This variant is not present in population databases (gnomAD no frequency). This premature translational stop signal has been observed in individual(s) with GYG1-related conditions (Invitae). ClinVar contains an entry for this variant (Variation ID: 850059). For these reasons, this variant has been classified as Pathogenic.

Literature cited by the submitters: PubMed 20357282; PubMed 25272951.